The following is an entry in ClinVar:

ClinVar aggregate classification (germline): Uncertain significance. Review status: criteria provided, multiple submitters, no conflicts (2 of 4 stars). 2 submissions from 2 submitters: Uncertain significance (2). Last evaluated 2025-07-27.

Allele frequency attached by ClinVar (database versions not stated): TOPMed 0.00006; ExAC 0.00009; gnomAD 0.00010; ESP Exome Variant Server 0.00015.
gnomAD v4.1: 211 of 1,613,946 alleles (0.013%); highest among the groups gnomAD compares: Non-Finnish European, 0.016%; no homozygotes.

Submissions (2):

Labcorp Genetics (formerly Invitae), Labcorp
Classification: Uncertain significance. Last evaluated: 2025-07-27. Review status: criteria provided, single submitter. Criteria: Invitae Variant Classification Sherloc (09022015). Collection method: clinical testing. Allele origin: germline.
Comment: This sequence change replaces alanine, which is neutral and non-polar, with valine, which is neutral and non-polar, at codon 251 of the DHX32 protein (p.Ala251Val). This variant is present in population databases (rs143951588, gnomAD 0.02%). This variant has not been reported in the literature in individuals affected with DHX32-related conditions. ClinVar contains an entry for this variant (Variation ID: 2068237). An algorithm developed to predict the effect of missense changes on protein structure and function outputs the following: PolyPhen-2: "Benign". The valine amino acid residue is found in multiple mammalian species, which suggests that this missense change does not adversely affect protein function. In summary, the available evidence is currently insufficient to determine the role of this variant in disease. Therefore, it has been classified as a Variant of Uncertain Significance.

Ambry Genetics
Classification: Uncertain significance. Last evaluated: 2024-03-28. Review status: criteria provided, single submitter. Criteria: Ambry Variant Classification Scheme 2023. Collection method: clinical testing. Allele origin: germline.

NM_018180.3(DHX32):c.752C>T (p.Ala251Val)

Gene: DHX32 (DEAH-box helicase 32 (putative); minus strand). Cytogenetic location: 10q26.2.
Variant type: single nucleotide variant.
Coding change: c.752C>T on transcript NM_018180.3 (MANE Select); coding-DNA position 752, C replaced by T.
Protein change: p.Ala251Val; replaces alanine 251 with valine.
Molecular consequence: missense variant.
Genome position (GRCh38, 1-based): chr10:125,859,700, G>A on the plus strand (C>T on the coding strand, the complement: DHX32 is on the minus strand). VCF-style: chr10-125859700-G-A. GRCh37 (hg19) VCF-style: chr10-127548269-G-A.
Other names: c.752C>T (NM_018180.2); short protein forms A251V.
Identifiers: ClinVar variation 2068237 (VCV002068237.5), dbSNP rs143951588, ClinGen allele CA5739392.